The following is an entry in ClinVar:

ClinVar aggregate classification (germline): Benign (1 of 4 stars; one submission).

Submission:

Laboratory for Molecular Medicine, Mass General Brigham Personalized Medicine
Classification: Benign. Last evaluated: 2016-03-28. Review status: criteria provided, single submitter. Criteria: LMM Criteria. Collection method: clinical testing. Allele origin: germline.
Comment: Variant identified in a genome or exome case(s) and assessed due to predicted null impact of the variant or pathogenic assertions in the literature or databases. Disclaimer: This variant has not undergone full assessment. The following are preliminary notes: Frequency

NM_001080998.2(FRG2B):c.33C>G (p.His11Gln)

Gene: FRG2B (FSHD region gene 2 family member B; minus strand). Cytogenetic location: 10q26.3.
Variant type: single nucleotide variant.
Coding change: c.33C>G on transcript NM_001080998.2 (MANE Select); coding-DNA position 33, C replaced by G.
Protein change: p.His11Gln; replaces histidine 11 with glutamine.
Molecular consequence: missense variant.
Genome position (GRCh38, 1-based): chr10:133,626,710, G>C on the plus strand (C>G on the coding strand, the complement: FRG2B is on the minus strand). VCF-style: chr10-133626710-G-C. GRCh37 (hg19) VCF-style: chr10-135440214-G-C.
Other names: short protein forms H11Q.
Identifiers: ClinVar variation 402880 (VCV000402880.4), dbSNP rs75987380, ClinGen allele CA5768713.